The following is an entry in ClinVar:

NM_001375567.1(FOCAD):c.5302C>G (p.Leu1768Val)

Gene: FOCAD (focadhesin; plus strand). Cytogenetic location: 9p21.3.
Variant type: single nucleotide variant.
Coding change: c.5302C>G on transcript NM_001375567.1 (MANE Select); coding-DNA position 5302, C replaced by G.
Protein change: p.Leu1768Val; replaces leucine 1768 with valine.
Molecular consequence: missense variant.
Genome position (GRCh38, 1-based): chr9:20,993,298, C>G. VCF-style: chr9-20993298-C-G. GRCh37 (hg19) VCF-style: chr9-20993297-C-G.
Other names: c.5197C>G, p.Leu1733Val (NM_001375568.1, NM_001375570.1); c.5302C>G, p.Leu1768Val (NM_017794.5); short protein forms L1768V, L1733V.
Identifiers: ClinVar variation 3644444 (VCV003644444.2).

ClinVar aggregate classification (germline): Uncertain significance (1 of 4 stars; one submission).

gnomAD v4.1: 2 of 1,613,938 alleles (0.00012%); highest among the groups gnomAD compares: Non-Finnish European, 0.00017%; no homozygotes.

Submission:

Labcorp Genetics (formerly Invitae), Labcorp
Classification: Uncertain significance. Last evaluated: 2024-04-22. Review status: criteria provided, single submitter. Criteria: Invitae Variant Classification Sherloc (09022015). Collection method: clinical testing. Allele origin: germline.
Comment: This sequence change replaces leucine, which is neutral and non-polar, with valine, which is neutral and non-polar, at codon 1768 of the FOCAD protein (p.Leu1768Val). This variant is not present in population databases (gnomAD no frequency). This variant has not been reported in the literature in individuals affected with FOCAD-related conditions. Experimental studies and prediction algorithms are not available or were not evaluated, and the functional significance of this variant is currently unknown. In summary, the available evidence is currently insufficient to determine the role of this variant in disease. Therefore, it has been classified as a Variant of Uncertain Significance.